The following is an entry in ClinVar:

ClinVar aggregate classification (germline): Uncertain significance (1 of 4 stars; one submission).

Allele frequency attached by ClinVar (database versions not stated): gnomAD exomes 0.00002; gnomAD 0.00003; ExAC 0.00005; ESP Exome Variant Server 0.00008.
gnomAD v4.1: 32 of 1,610,266 alleles (0.002%); highest among the groups gnomAD compares: Admixed American, 0.032%; no homozygotes.

Submission:

Labcorp Genetics (formerly Invitae), Labcorp
Classification: Uncertain significance. Last evaluated: 2022-10-03. Review status: criteria provided, single submitter. Criteria: Invitae Variant Classification Sherloc (09022015). Collection method: clinical testing. Allele origin: germline.
Comment: This sequence change replaces alanine, which is neutral and non-polar, with threonine, which is neutral and polar, at codon 1210 of the LTBP2 protein (p.Ala1210Thr). This variant is present in population databases (rs375926570, gnomAD 0.04%). This variant has not been reported in the literature in individuals affected with LTBP2-related conditions. Algorithms developed to predict the effect of missense changes on protein structure and function output the following: SIFT: "Tolerated"; PolyPhen-2: "Benign"; Align-GVGD: "Class C0". The threonine amino acid residue is found in multiple mammalian species, which suggests that this missense change does not adversely affect protein function. In summary, the available evidence is currently insufficient to determine the role of this variant in disease. Therefore, it has been classified as a Variant of Uncertain Significance.

NM_000428.3(LTBP2):c.3628G>A (p.Ala1210Thr)

Gene: LTBP2 (latent transforming growth factor beta binding protein 2; minus strand). Cytogenetic location: 14q24.3.
Variant type: single nucleotide variant.
Coding change: c.3628G>A on transcript NM_000428.3 (MANE Select); coding-DNA position 3628, G replaced by A.
Protein change: p.Ala1210Thr; replaces alanine 1210 with threonine.
Molecular consequence: missense variant.
Genome position (GRCh38, 1-based): chr14:74,508,628, C>T on the plus strand (G>A on the coding strand, the complement: LTBP2 is on the minus strand). VCF-style: chr14-74508628-C-T. GRCh37 (hg19) VCF-style: chr14-74975331-C-T.
Other names: short protein forms A1210T.
Identifiers: ClinVar variation 2077859 (VCV002077859.1), dbSNP rs375926570, ClinGen allele CA7269099.